The following is an entry in ClinVar:

NM_014251.3(SLC25A13):c.212+16A>C

Gene: SLC25A13 (solute carrier family 25 member 13; minus strand). Cytogenetic location: 7q21.3.
Variant type: single nucleotide variant.
Coding change: c.212+16A>C on transcript NM_014251.3 (MANE Select); 16 bases into the intron after coding-DNA position 212, A replaced by C.
Molecular consequence: intron variant.
Genome position (GRCh38, 1-based): chr7:96,277,180, T>G on the plus strand (A>C on the coding strand, the complement: SLC25A13 is on the minus strand). VCF-style: chr7-96277180-T-G. GRCh37 (hg19) VCF-style: chr7-95906492-T-G.
Other names: c.212+16A>C (NM_001160210.2).
Identifiers: ClinVar variation 383515 (VCV000383515.4), dbSNP rs780250852, ClinGen allele CA4353363.

ClinVar aggregate classification (germline): Likely benign. Review status: criteria provided, multiple submitters, no conflicts (2 of 4 stars). 2 submissions from 2 submitters: Likely benign (2). Last evaluated 2025-12-28.

Conditions:
Citrin deficiency. Identifiers: Orphanet 247582, MedGen C1997910, MONDO:0016602.

Allele frequency attached by ClinVar (database versions not stated): ExAC below 0.00001; gnomAD exomes 0.00002; TOPMed 0.00002; gnomAD 0.00003.
gnomAD v4.1: 28 of 1,537,422 alleles (0.0018%); highest among the groups gnomAD compares: Non-Finnish European, 0.0025%; no homozygotes.

Submissions (2):

Labcorp Genetics (formerly Invitae), Labcorp
Classification: Likely benign for Citrin deficiency. Last evaluated: 2025-12-28. Review status: criteria provided, single submitter. Criteria: Invitae Variant Classification Sherloc (09022015). Collection method: clinical testing. Allele origin: germline.

GeneDx
Classification: Likely benign. Last evaluated: 2016-03-03. Review status: criteria provided, single submitter. Criteria: GeneDx Variant Classification (06012015). Collection method: clinical testing. Allele origin: germline. Affected: yes.
Comment: This variant is considered likely benign or benign based on one or more of the following criteria: it is a conservative change, it occurs at a poorly conserved position in the protein, it is predicted to be benign by multiple in silico algorithms, and/or has population frequency not consistent with disease.